The following is an entry in ClinVar:

NM_002473.6(MYH9):c.1120G>A (p.Val374Met)

Gene: MYH9 (myosin heavy chain 9; minus strand). Cytogenetic location: 22q12.3.
Variant type: single nucleotide variant.
Coding change: c.1120G>A on transcript NM_002473.6 (MANE Select); coding-DNA position 1120, G replaced by A.
Protein change: p.Val374Met; replaces valine 374 with methionine.
Molecular consequence: missense variant.
Genome position (GRCh38, 1-based): chr22:36,318,314, C>T on the plus strand (G>A on the coding strand, the complement: MYH9 is on the minus strand). VCF-style: chr22-36318314-C-T. GRCh37 (hg19) VCF-style: chr22-36714359-C-T.
Other names: c.1120G>A (NM_002473.4); short protein forms V374M.
Identifiers: ClinVar variation 1975074 (VCV001975074.6), dbSNP rs2017192597, ClinGen allele CA411403796.
Genomic context (GRCh38, chr22:36,318,314, plus strand): 5'-TGCGCGGGGTGAGGATTCCTCTGGTGAAATCGGTCACATTGATACCCAAGAGATGGGACA[C>T]CTTTTGGGCAGCTAAGATTTTTCAGAGAATAAGAGAGGGACAAAAAGTCCTAATTAGACC-3'
Protein context (NP_002464.1, residues 364-384): SMPDNTAAQK[Val374Met]SHLLGINVTD

ClinVar aggregate classification (germline): Uncertain significance. Review status: criteria provided, multiple submitters, no conflicts (2 of 4 stars). 2 submissions from 2 submitters: Uncertain significance (2). Last evaluated 2024-06-16.

Conditions:
Inborn genetic diseases. Identifiers: MedGen C0950123, MeSH D030342.

Allele frequency attached by ClinVar (database versions not stated): gnomAD exomes below 0.00001; gnomAD 0.00001; TOPMed 0.00001.
gnomAD v4.1: 2 of 1,613,126 alleles (0.00012%); highest among the groups gnomAD compares: Non-Finnish European, 0.00017%; no homozygotes.

Submissions (2):

Ambry Genetics
Classification: Uncertain significance for Inborn genetic diseases. Last evaluated: 2024-06-16. Review status: criteria provided, single submitter. Criteria: Ambry Variant Classification Scheme 2023. Collection method: clinical testing. Allele origin: germline.

Labcorp Genetics (formerly Invitae), Labcorp
Classification: Uncertain significance. Last evaluated: 2023-12-13. Review status: criteria provided, single submitter. Criteria: Invitae Variant Classification Sherloc (09022015). Collection method: clinical testing. Allele origin: germline.
Comment: This sequence change replaces valine, which is neutral and non-polar, with methionine, which is neutral and non-polar, at codon 374 of the MYH9 protein (p.Val374Met). This variant is not present in population databases (gnomAD no frequency). This variant has not been reported in the literature in individuals affected with MYH9-related conditions. ClinVar contains an entry for this variant (Variation ID: 1975074). Advanced modeling of protein sequence and biophysical properties (such as structural, functional, and spatial information, amino acid conservation, physicochemical variation, residue mobility, and thermodynamic stability) performed at Invitae indicates that this missense variant is not expected to disrupt MYH9 protein function with a negative predictive value of 80%. In summary, the available evidence is currently insufficient to determine the role of this variant in disease. Therefore, it has been classified as a Variant of Uncertain Significance.